The following is an entry in ClinVar:

ClinVar aggregate classification (germline): Uncertain significance (1 of 4 stars; one submission).

Conditions:
Hereditary cancer-predisposing syndrome. Also called: Tumor predisposition; Hereditary neoplastic syndrome; Neoplastic Syndromes, Hereditary; Hereditary Cancer Syndrome. Identifiers: Orphanet 140162, MedGen C0027672, MeSH D009386, MONDO:0015356.

Submission:

Ambry Genetics
Classification: Uncertain significance for Hereditary cancer-predisposing syndrome. Last evaluated: 2025-06-06. Review status: criteria provided, single submitter. Criteria: Ambry Variant Classification Scheme 2023. Collection method: clinical testing. Allele origin: germline.
Comment: The p.A74V variant (also known as c.221C>T), located in coding exon 2 of the FANCC gene, results from a C to T substitution at nucleotide position 221. The alanine at codon 74 is replaced by valine, an amino acid with similar properties. This amino acid position is conserved. In addition, this alteration is predicted to be tolerated by in silico analysis. Based on the available evidence, the clinical significance of this variant remains unclear.

NM_000136.3(FANCC):c.221C>T (p.Ala74Val)

Gene: FANCC (FA complementation group C; minus strand). Cytogenetic location: 9q22.32.
Variant type: single nucleotide variant.
Coding change: c.221C>T on transcript NM_000136.3 (MANE Select); coding-DNA position 221, C replaced by T.
Protein change: p.Ala74Val; replaces alanine 74 with valine.
Molecular consequence: missense variant.
Genome position (GRCh38, 1-based): chr9:95,247,461, G>A on the plus strand (C>T on the coding strand, the complement: FANCC is on the minus strand). VCF-style: chr9-95247461-G-A. GRCh37 (hg19) VCF-style: chr9-98009743-G-A.
Other names: c.221C>T, p.Ala74Val (NM_001243743.2, NM_001243744.2); short protein forms A74V.
Identifiers: ClinVar variation 4022437 (VCV004022437.1).